The following is an entry in ClinVar:

NM_000431.4(MVK):c.503_512delinsAC (p.Leu168fs)

Gene: MVK (mevalonate kinase; plus strand). Cytogenetic location: 12q24.11.
Variant type: Indel.
Coding change: c.503_512delinsAC on transcript NM_000431.4 (MANE Select); coding-DNA positions 503 to 512, TGAAGGACGG replaced by AC.
Protein change: p.Leu168fs; shifts the reading frame from leucine 168.
Molecular consequence: frameshift variant. On other transcripts: intron variant (1).
Genome position (GRCh38, 1-based): chr12:109,581,526-109,581,535, TGAAGGACGG replaced by AC. VCF-style: chr12-109581526-TGAAGGACGG-AC. GRCh37 (hg19) VCF-style: chr12-110019331-TGAAGGACGG-AC.
Other names: c.503_512delinsAC, p.Leu168fs (NM_001114185.3); c.371+1580_371+1589delinsAC (NM_001301182.2); short protein forms L168fs.
Identifiers: ClinVar variation 97594 (VCV000097594.1), dbSNP rs104895375, ClinGen allele CA149839.

ClinVar aggregate classification (germline): not provided (0 of 4 stars; one submission).

Conditions:
Hyperimmunoglobulin D with periodic fever (HIDS). Also called: HYPERIMMUNOGLOBULINEMIA D AND PERIODIC FEVER SYNDROME; Hyperimmunoglobulinemia D; Hyperimmunoglobulinemia D with periodic fever. Identifiers: Orphanet 343, MedGen C0398691, MONDO:0009849, OMIM 260920.

Submission:

Unité médicale des maladies autoinflammatoires, CHRU Montpellier
No classification provided. Condition: Hyperimmunoglobulin D with periodic fever. Review status: no classification provided. Collection method: not provided. Allele origin: unknown.
Comment: also involved in OMIM 25117